The following is an entry in ClinVar:

ClinVar aggregate classification (germline): Uncertain significance (1 of 4 stars; one submission).

Conditions:
Neuroblastoma, susceptibility to, 3. Also called: ALK-Related Neuroblastic Tumor Susceptibility. Identifiers: Orphanet 635, MedGen C2751681, MONDO:0013083, OMIM 613014.

Submission:

Labcorp Genetics (formerly Invitae), Labcorp
Classification: Uncertain significance for Neuroblastoma, susceptibility to, 3. Last evaluated: 2023-08-17. Review status: criteria provided, single submitter. Criteria: Invitae Variant Classification Sherloc (09022015). Collection method: clinical testing. Allele origin: germline.
Comment: In summary, the available evidence is currently insufficient to determine the role of this variant in disease. Therefore, it has been classified as a Variant of Uncertain Significance. An algorithm developed to predict the effect of missense changes on protein structure and function (PolyPhen-2) suggests that this variant is likely to be disruptive. This variant has not been reported in the literature in individuals affected with ALK-related conditions. This variant is not present in population databases (gnomAD no frequency). This sequence change replaces tryptophan, which is neutral and slightly polar, with cysteine, which is neutral and slightly polar, at codon 1366 of the ALK protein (p.Trp1366Cys).

NM_004304.5(ALK):c.4098G>T (p.Trp1366Cys)

Gene: ALK (ALK receptor tyrosine kinase; minus strand). Cytogenetic location: 2p23.2.
Variant type: single nucleotide variant.
Coding change: c.4098G>T on transcript NM_004304.5 (MANE Select); coding-DNA position 4098, G replaced by T.
Protein change: p.Trp1366Cys; replaces tryptophan 1366 with cysteine.
Molecular consequence: missense variant.
Genome position (GRCh38, 1-based): chr2:29,196,836, C>A on the plus strand (G>T on the coding strand, the complement: ALK is on the minus strand). VCF-style: chr2-29196836-C-A. GRCh37 (hg19) VCF-style: chr2-29419702-C-A.
Other names: c.894G>T, p.Trp298Cys (NM_001353765.2); short protein forms W1366C, W298C.
Identifiers: ClinVar variation 2801199 (VCV002801199.3), dbSNP rs1669035233, ClinGen allele CA346465293.